The following is an entry in ClinVar:

NM_000124.4(ERCC6):c.143G>A (p.Arg48His)

Gene: ERCC6 (ERCC excision repair 6, chromatin remodeling factor; minus strand). Cytogenetic location: 10q11.23.
Variant type: single nucleotide variant.
Coding change: c.143G>A on transcript NM_000124.4 (MANE Select); coding-DNA position 143, G replaced by A.
Protein change: p.Arg48His; replaces arginine 48 with histidine.
Molecular consequence: missense variant.
Genome position (GRCh38, 1-based): chr10:49,532,822, C>T on the plus strand (G>A on the coding strand, the complement: ERCC6 is on the minus strand). VCF-style: chr10-49532822-C-T. GRCh37 (hg19) VCF-style: chr10-50740868-C-T.
Other names: c.143G>A, p.Arg48His (NM_001277058.2, NM_001277059.2, NM_001346440.2); short protein forms R48H.
Identifiers: ClinVar variation 1314412 (VCV001314412.4), dbSNP rs780434796, ClinGen allele CA5496612.
Genomic context (GRCh38, chr10:49,532,822, plus strand): 5'-CTCCTCGGAGCTGCTGATGCGCACCCCACAGCAGAGGTGGACAGCCCGTCACCCACAGAA[C>T]GAAAGGAGAGGTACTCCTCCACCTCCCCATCACCACCACTTTCTTGCTTGATTGCCATTT-3'
Protein context (NP_000115.1, residues 38-58): DGEVEEYLSF[Arg48His]SVGDGLSTSA

ClinVar aggregate classification (germline): Uncertain significance. Review status: criteria provided, multiple submitters, no conflicts (2 of 4 stars). 2 submissions from 2 submitters: Uncertain significance (2). Last evaluated 2023-02-23.

Conditions:
Inborn genetic diseases. Identifiers: MedGen C0950123, MeSH D030342.

Allele frequency attached by ClinVar (database versions not stated): gnomAD 0.00001 and 0.00002; gnomAD exomes 0.00001 and 0.00002; TOPMed 0.00002; ExAC 0.00003.
gnomAD v4.1: 19 of 1,614,070 alleles (0.0012%); highest among the groups gnomAD compares: Middle Eastern, 0.016%; no homozygotes.

Submissions (2):

Ambry Genetics
Classification: Uncertain significance for Inborn genetic diseases. Last evaluated: 2023-02-23. Review status: criteria provided, single submitter. Criteria: Ambry Variant Classification Scheme 2023. Collection method: clinical testing. Allele origin: germline.

GeneDx
Classification: Uncertain significance. Last evaluated: 2021-04-05. Review status: criteria provided, single submitter. Criteria: GeneDx Variant Classification Process June 2021. Collection method: clinical testing. Allele origin: germline. Affected: yes.
Comment: In silico analysis supports that this missense variant does not alter protein structure/function; Has not been previously published as pathogenic or benign to our knowledge